The following is an entry in ClinVar:

NM_152783.5(D2HGDH):c.*410G>A

Gene: D2HGDH (D-2-hydroxyglutarate dehydrogenase; plus strand). Cytogenetic location: 2q37.3.
Variant type: single nucleotide variant.
Coding change: c.*410G>A on transcript NM_152783.5 (MANE Select); 410 bases downstream of the stop codon, G replaced by A.
Molecular consequence: 3 prime UTR variant. On other transcripts: non-coding transcript variant (1).
Genome position (GRCh38, 1-based): chr2:241,768,379, G>A. VCF-style: chr2-241768379-G-A. GRCh37 (hg19) VCF-style: chr2-242707794-G-A.
Other names: c.*410G>A (NM_001287249.2, NM_001352824.2).
Identifiers: ClinVar variation 335336 (VCV000335336.5), dbSNP rs568821876, ClinGen allele CA10615026.
Genomic context (GRCh38, chr2:241,768,379, plus strand): 5'-CGCTGGGTGGTGGTTCTGCCTGCTTGCTGCTCGTTCCCCGGGCATGCGTGGGCAGCGGGG[G>A]GCATGCGTGGGCAGCAGGGGGCGTGGGCAGCGGGGGCACGGGCAGGACCACGTGGGCCGT-3'

ClinVar aggregate classification (germline): Likely benign (1 of 4 stars; one submission).

Conditions:
D-2-hydroxyglutaric aciduria 1 (D2HGA1). Identifiers: Orphanet 79315, MedGen C3152055, MONDO:0024554, OMIM 600721.

Allele frequency attached by ClinVar (database versions not stated): 1000 Genomes Project 0.00100; gnomAD 0.00159; 1000 Genomes Project 30x 0.00172; TOPMed 0.00177.
gnomAD v4.1: 363 of 205,128 alleles (0.18%); highest among the groups gnomAD compares: Middle Eastern, 0.41%; 1 homozygote.

Submission:

Illumina Laboratory Services, Illumina
Classification: Likely benign for D-2-hydroxyglutaric aciduria 1. Last evaluated: 2018-01-13. Review status: criteria provided, single submitter. Criteria: ICSL Variant Classification Criteria 13 December 2019. Collection method: clinical testing. Allele origin: germline.
Comment: This variant was observed in the ICSL laboratory as part of a predisposition screen in an ostensibly healthy population. It had not been previously curated by ICSL or reported in the Human Gene Mutation Database (HGMD: prior to June 1st, 2018), and was therefore a candidate for classification through an automated scoring system. Utilizing variant allele frequency, disease prevalence and penetrance estimates, and inheritance mode, an automated score was calculated to assess if this variant is too frequent to cause the disease. Based on the score and internal cut-off values, a variant classified as likely benign is not then subjected to further curation. The score for this variant resulted in a classification of likely benign for this disease.